The following is an entry in ClinVar:

ClinVar aggregate classification (germline): Conflicting classifications of pathogenicity. Review status: criteria provided, conflicting classifications (1 of 4 stars). 11 submissions from 11 submitters: Likely pathogenic (1); Uncertain significance (9). 1 of the submissions does not count toward it. Last evaluated 2026-07-01.

Conditions:
Glycogen storage disease, type II (IOPD). Also called: GLYCOGENOSIS, GENERALIZED, CARDIAC FORM; GSD II; POMPE DISEASE, INFANTILE-ONSET; GLYCOGEN STORAGE DISEASE II, INFANTILE-ONSET; ACID ALPHA-GLUCOSIDASE DEFICIENCY, INFANTILE-ONSET; GAA DEFICIENCY, INFANTILE-ONSET. Identifiers: Orphanet 365, MedGen C0017921, MONDO:0009290, OMIM 232300.
Cardiovascular phenotype. Identifiers: MedGen CN230736.

Allele frequency attached by ClinVar (database versions not stated): TOPMed 0.00014; 1000 Genomes Project 30x 0.00016; 1000 Genomes Project 0.00020; gnomAD 0.00021 and 0.00024; ExAC 0.00003; gnomAD exomes 0.00003; ESP Exome Variant Server 0.00008.
gnomAD v4.1: 50 of 1,611,710 alleles (0.0031%); highest among the groups gnomAD compares: African/African-American, 0.056%; no homozygotes.

Submissions (11):

Genomenon, Inc
Classification: Uncertain significance for Glycogen storage disease, type II. Last evaluated: 2026-07-01. Review status: criteria provided, single submitter. Criteria: Genomenon Sequence Variant Interpretation Standards - Updated. Collection method: curation. Allele origin: germline. Affected: no.
Comment: GAA p.His308Tyr (c.922C>T) is a missense variant that changes the amino acid at codon 308 from Histidine to Tyrosine. This variant has been reported in the published literature (PMID:33587123). The presence of pathogenic/likely pathogenic missense variant(s) at the same amino acid position indicates that this residue is likely important for protein function. It is absent or not present at a significant frequency in gnomAD. In conclusion, we classify GAA p.His308Tyr (c.922C>T) as a variant of uncertain significance.

Labcorp Genetics (formerly Invitae), Labcorp
Classification: Likely pathogenic for Glycogen storage disease, type II. Last evaluated: 2026-01-28. Review status: criteria provided, single submitter. Criteria: Invitae Variant Classification Sherloc (09022015). Collection method: clinical testing. Allele origin: germline.
Comment: This sequence change replaces histidine, which is basic and polar, with tyrosine, which is neutral and polar, at codon 308 of the GAA protein (p.His308Tyr). This variant is present in population databases (rs112025212, gnomAD 0.05%). This variant has not been reported in the literature in individuals affected with GAA-related conditions. ClinVar contains an entry for this variant (Variation ID: 456444). Invitae Evidence Modeling of protein sequence and biophysical properties (such as structural, functional, and spatial information, amino acid conservation, physicochemical variation, residue mobility, and thermodynamic stability) indicates that this missense variant is expected to disrupt GAA protein function with a positive predictive value of 95%. This variant disrupts the p.His308 amino acid residue in GAA. Other variant(s) that disrupt this residue have been determined to be pathogenic (PMID: 14695532, 28624228, 31086307). This suggests that this residue is clinically significant, and that variants that disrupt this residue are likely to be disease-causing. In summary, the currently available evidence indicates that the variant is pathogenic, but additional data are needed to prove that conclusively. Therefore, this variant has been classified as Likely Pathogenic.

Women's Health and Genetics/Laboratory Corporation of America, LabCorp
Classification: Uncertain significance. Last evaluated: 2025-05-23. Review status: criteria provided, single submitter. Criteria: LabCorp Variant Classification Summary - May 2015. Collection method: clinical testing. Allele origin: germline.
Comment: Variant summary: GAA c.922C>T (p.His308Tyr) results in a conservative amino acid change in the encoded protein sequence. Algorithms developed to predict the effect of missense changes on protein structure and function are either unavailable or do not agree on the potential impact of this missense change. The variant allele was found at a frequency of 3.3e-05 in 245000 control chromosomes. The available data on variant occurrences in the general population are insufficient to allow any conclusion about variant significance. c.922C>T has been reported in the literature in at least one individual affected with Glycogen Storage Disease, Type 2 (Pompe Disease) with second variant classified as VUS in ClinVar in addition to biallelic variants in an alternate gene (e.g. Maron_2021). These report(s) do not provide unequivocal conclusions about association of the variant with Glycogen Storage Disease, Type 2 (Pompe Disease). To our knowledge, no experimental evidence demonstrating an impact on protein function has been reported. The following publication has been ascertained in the context of this evaluation (PMID: 33587123). ClinVar contains an entry for this variant (Variation ID: 456444). Based on the evidence outlined above, the variant was classified as uncertain significance.

Revvity Omics, Revvity
Classification: Uncertain significance. Last evaluated: 2025-03-20. Review status: criteria provided, single submitter. Criteria: ACMG Guidelines, 2015. Collection method: clinical testing. Allele origin: germline.

Fulgent Genetics
Classification: Uncertain significance for Glycogen storage disease, type II. Last evaluated: 2021-10-02. Review status: criteria provided, single submitter. Criteria: ACMG Guidelines, 2015. Collection method: clinical testing. Allele origin: unknown.

Genome-Nilou Lab
Classification: Uncertain significance for Glycogen storage disease, type II. Last evaluated: 2021-09-05. Review status: criteria provided, single submitter. Criteria: ACMG Guidelines, 2015. Collection method: clinical testing. Allele origin: germline. Affected: no.

Ambry Genetics
Classification: Uncertain significance for Cardiovascular phenotype. Last evaluated: 2021-08-11. Review status: criteria provided, single submitter. Criteria: Ambry Variant Classification Scheme 2023. Collection method: clinical testing. Allele origin: germline.
Comment: The p.H308Y variant (also known as c.922C>T), located in coding exon 4 of the GAA gene, results from a C to T substitution at nucleotide position 922. The histidine at codon 308 is replaced by tyrosine, an amino acid with similar properties. This amino acid position is conserved. In addition, this alteration is predicted to be deleterious by in silico analysis. Since supporting evidence is limited at this time, the clinical significance of this alteration remains unclear.

Laboratorio de Genetica e Diagnostico Molecular, Hospital Israelita Albert Einstein
Classification: Uncertain significance. Last evaluated: 2021-01-27. Review status: criteria provided, single submitter. Criteria: ACMG Guidelines, 2015. Collection method: clinical testing. Allele origin: germline. Affected: yes.
Comment: ACMG classification criteria: PM2

GeneDx
Classification: Uncertain significance. Last evaluated: 2021-01-20. Review status: criteria provided, single submitter. Criteria: GeneDx Variant Classification Process June 2021. Collection method: clinical testing. Allele origin: germline. Affected: yes.
Comment: In silico analysis, which includes protein predictors and evolutionary conservation, supports a deleterious effect; Has not been previously published as pathogenic or benign to our knowledge; This variant is associated with the following publications: (PMID: 33587123)

Athena Diagnostics
Classification: Uncertain significance. Last evaluated: 2020-01-21. Review status: criteria provided, single submitter. Criteria: Athena Diagnostics Criteria. Collection method: clinical testing. Allele origin: unknown.
Comment: This observation is not an independent occurrence and has been identified in the same individual by RCIGM, the other laboratory participating in the GEMINI study.

Natera, Inc.
Classification: Uncertain significance for Glycogen storage disease type II. Last evaluated: 2020-09-16. Review status: no assertion criteria provided. Collection method: clinical testing. Allele origin: germline. Not counted in ClinVar's aggregate classification.

Literature cited by the submitters: PubMed 33587123 (cited by Genomenon, Inc and Women's Health and Genetics/Laboratory Corporation of America, LabCorp); PubMed 14695532 (cited by Labcorp Genetics (formerly Invitae), Labcorp); PubMed 28624228 (cited by Labcorp Genetics (formerly Invitae), Labcorp); PubMed 31086307 (cited by Labcorp Genetics (formerly Invitae), Labcorp).

NM_000152.5(GAA):c.922C>T (p.His308Tyr)

Gene: GAA (alpha glucosidase; plus strand). Cytogenetic location: 17q25.3.
Variant type: single nucleotide variant.
Coding change: c.922C>T on transcript NM_000152.5 (MANE Select); coding-DNA position 922, C replaced by T.
Protein change: p.His308Tyr; replaces histidine 308 with tyrosine.
Molecular consequence: missense variant.
Genome position (GRCh38, 1-based): chr17:80,107,863, C>T. VCF-style: chr17-80107863-C-T. GRCh37 (hg19) VCF-style: chr17-78081662-C-T.
Other names: c.922C>T, p.His308Tyr (NM_001079803.3, NM_001079804.3); c.922C>T (LRG_673t1); short protein forms H308Y.
Identifiers: ClinVar variation 456444 (VCV000456444.22), dbSNP rs112025212, ClinGen allele CA8815089.
Genomic context (GRCh38, chr17:80,107,863, plus strand): 5'-GGTGCGAACCTCTACGGGTCTCACCCTTTCTACCTGGCGCTGGAGGACGGCGGGTCGGCA[C>T]ACGGGGTGTTCCTGCTAAACAGCAATGCCATGGGTAAGCTGCCCGCCGCCCAGCGCCCGG-3'
Protein context (NP_000143.2, residues 298-318): YLALEDGGSA[His308Tyr]GVFLLNSNAM